The following is an entry in ClinVar:

ClinVar aggregate classification (germline): Pathogenic (1 of 4 stars; one submission).

Submission:

Labcorp Genetics (formerly Invitae), Labcorp
Classification: Pathogenic. Last evaluated: 2022-12-14. Review status: criteria provided, single submitter. Criteria: Invitae Variant Classification Sherloc (09022015). Collection method: clinical testing. Allele origin: germline.
Comment: This sequence change creates a premature translational stop signal (p.Ala273Glnfs*2) in the XPC gene. It is expected to result in an absent or disrupted protein product. Loss-of-function variants in XPC are known to be pathogenic (PMID: 23173980, 25256075). This variant is not present in population databases (gnomAD no frequency). This variant has not been reported in the literature in individuals affected with XPC-related conditions. For these reasons, this variant has been classified as Pathogenic.

Literature cited by the submitters: PubMed 23173980; PubMed 25256075.

NM_004628.5(XPC):c.813_814del (p.Ala273fs)

Gene: XPC (XPC complex subunit, DNA damage recognition and repair factor; minus strand). Cytogenetic location: 3p25.1.
Variant type: Deletion.
Coding change: c.813_814del on transcript NM_004628.5 (MANE Select); coding-DNA positions 813 to 814, 2 bases deleted (TT; older notation c.813_814delTT).
Protein change: p.Ala273fs; shifts the reading frame from alanine 273.
Molecular consequence: frameshift variant. On other transcripts: non-coding transcript variant (2).
Genome position (GRCh38, 1-based): chr3:14,164,899-14,164,900, AA deleted on the plus strand (TT on the coding strand, the reverse complement: XPC is on the minus strand); deleting any 2 consecutive bases within chr3:14,164,899-14,164,901 gives the same sequence; the c. name uses the placement nearest the transcript's 3' end. VCF-style (leftmost placement, unchanged base first): chr3-14164898-GAA-G. GRCh37 (hg19) VCF-style: chr3-14206398-GAA-G.
Other names: c.234_235del, p.Ala80fs (NM_001354726.2); c.813_814del, p.Ala273fs (NM_001354727.2, NM_001354730.2); c.795_796del, p.Ala267fs (NM_001354729.2); short protein forms A80fs, A267fs, A273fs.
Identifiers: ClinVar variation 2998099 (VCV002998099.3), dbSNP rs2470278600, ClinGen allele CA2664576531.